The following is an entry in ClinVar:

ClinVar aggregate classification (germline): Uncertain significance. Review status: criteria provided, multiple submitters, no conflicts (2 of 4 stars). 4 submissions from 3 submitters: Uncertain significance (4). Last evaluated 2021-04-09.

Conditions:
Fibromatosis, gingival, 1 (GINGF1). Identifiers: Orphanet 2024, MedGen C4551558, MONDO:0007609, OMIM 135300.
Noonan syndrome 4 (NS4). Also called: SOS1-Related Noonan Syndrome; NOONAN SYNDROME WITH PIGMENTED VILLONODULAR SYNOVITIS. Identifiers: Orphanet 648, MedGen C1853120, MONDO:0012547, OMIM 610733.
RASopathy. Also called: rasopathies; Noonan spectrum disorder. Identifiers: Orphanet 536391, MedGen C5555857, MONDO:0021060.

Allele frequency attached by ClinVar (database versions not stated): TOPMed below 0.00001.

Submissions (4):

GeneDx
Classification: Uncertain significance. Last evaluated: 2021-04-09. Review status: criteria provided, single submitter. Criteria: GeneDx Variant Classification Process June 2021. Collection method: clinical testing. Allele origin: germline. Affected: yes.
Comment: Not observed in large population cohorts (Lek et al., 2016); Missense variants in this gene are often considered pathogenic (Stenson et al., 2014); In silico analysis supports that this missense variant does not alter protein structure/function; Has not been previously published as pathogenic or benign to our knowledge

Labcorp Genetics (formerly Invitae), Labcorp
Classification: Uncertain significance for RASopathy. Last evaluated: 2019-04-06. Review status: criteria provided, single submitter. Criteria: Invitae Variant Classification Sherloc (09022015). Collection method: clinical testing. Allele origin: germline.
Comment: In summary, the available evidence is currently insufficient to determine the role of this variant in disease. Therefore, it has been classified as a Variant of Uncertain Significance. Algorithms developed to predict the effect of missense changes on protein structure and function are either unavailable or do not agree on the potential impact of this missense change (SIFT: "Deleterious"; PolyPhen-2: "Benign"; Align-GVGD: "Class C0"). This variant has not been reported in the literature in individuals with SOS1-related conditions. This variant is not present in population databases (ExAC no frequency). This sequence change replaces serine with arginine at codon 1178 of the SOS1 protein (p.Ser1178Arg). The serine residue is highly conserved and there is a moderate physicochemical difference between serine and arginine.

Genome-Nilou Lab
Classification: Uncertain significance for Noonan syndrome 4. Review status: criteria provided, single submitter. Criteria: ACMG Guidelines, 2015. Collection method: clinical testing. Allele origin: germline.

Genome-Nilou Lab
Classification: Uncertain significance for Fibromatosis, gingival, 1. Review status: criteria provided, single submitter. Criteria: ACMG Guidelines, 2015. Collection method: clinical testing. Allele origin: germline.

NM_005633.4(SOS1):c.3534T>A (p.Ser1178Arg)

Gene: SOS1 (SOS Ras/Rac guanine nucleotide exchange factor 1; minus strand). Cytogenetic location: 2p22.1.
Variant type: single nucleotide variant.
Coding change: c.3534T>A on transcript NM_005633.4 (MANE Select); coding-DNA position 3534, T replaced by A.
Protein change: p.Ser1178Arg; replaces serine 1178 with arginine.
Molecular consequence: missense variant.
Genome position (GRCh38, 1-based): chr2:38,986,292, A>T on the plus strand (T>A on the coding strand, the complement: SOS1 is on the minus strand). VCF-style: chr2-38986292-A-T. GRCh37 (hg19) VCF-style: chr2-39213433-A-T.
Other names: c.3513T>A, p.Ser1171Arg (NM_001382394.1); c.3489T>A, p.Ser1163Arg (NM_001382395.1); short protein forms S1178R, S1163R, S1171R.
Identifiers: ClinVar variation 848887 (VCV000848887.12), dbSNP rs1572796568, ClinGen allele CA346362942.